The following is an entry in ClinVar:

NM_000836.4(GRIN2D):c.3938G>A (p.Arg1313Gln)

Gene: GRIN2D (glutamate ionotropic receptor NMDA type subunit 2D; plus strand). Cytogenetic location: 19q13.33.
Variant type: single nucleotide variant.
Coding change: c.3938G>A on transcript NM_000836.4 (MANE Select); coding-DNA position 3938, G replaced by A.
Protein change: p.Arg1313Gln; replaces arginine 1313 with glutamine.
Molecular consequence: missense variant.
Genome position (GRCh38, 1-based): chr19:48,443,864, G>A. VCF-style: chr19-48443864-G-A. GRCh37 (hg19) VCF-style: chr19-48947121-G-A.
Other names: short protein forms R1313Q.
Identifiers: ClinVar variation 2961822 (VCV002961822.3), dbSNP rs1260655924, ClinGen allele CA406679078.

ClinVar aggregate classification (germline): Uncertain significance (1 of 4 stars; one submission).

Allele frequency attached by ClinVar (database versions not stated): gnomAD exomes below 0.00001; gnomAD 0.00001.
gnomAD v4.1: 6 of 1,482,258 alleles (0.0004%); highest among the groups gnomAD compares: South Asian, 0.0051%; no homozygotes.

Submission:

Labcorp Genetics (formerly Invitae), Labcorp
Classification: Uncertain significance. Last evaluated: 2025-08-29. Review status: criteria provided, single submitter. Criteria: Invitae Variant Classification Sherloc (09022015). Collection method: clinical testing. Allele origin: germline.
Comment: This sequence change replaces arginine, which is basic and polar, with glutamine, which is neutral and polar, at codon 1313 of the GRIN2D protein (p.Arg1313Gln). The frequency data for this variant in the population databases is considered unreliable, as metrics indicate poor data quality at this position in the gnomAD database. This variant has not been reported in the literature in individuals affected with GRIN2D-related conditions. ClinVar contains an entry for this variant (Variation ID: 2961822). Invitae Evidence Modeling of protein sequence and biophysical properties (such as structural, functional, and spatial information, amino acid conservation, physicochemical variation, residue mobility, and thermodynamic stability) indicates that this missense variant is not expected to disrupt GRIN2D protein function with a negative predictive value of 95%. In summary, the available evidence is currently insufficient to determine the role of this variant in disease. Therefore, it has been classified as a Variant of Uncertain Significance.